The following is an entry in ClinVar:

ClinVar aggregate classification (germline): Uncertain significance (0 of 4 stars; one submission).

Allele frequency attached by ClinVar (database versions not stated): gnomAD exomes below 0.00001 and 0.00001; ExAC 0.00002.
gnomAD v4.1: 7 of 1,591,928 alleles (0.00044%); highest among the groups gnomAD compares: Middle Eastern, 0.034%; 1 homozygote.

Submission:

Department of Pathology and Laboratory Medicine, Sinai Health System
Classification: Uncertain significance. Review status: no assertion criteria provided. Collection method: clinical testing. Allele origin: unknown. Affected: yes. Study: The Canadian Open Genetics Repository (COGR).
Comment: The HYDIN p.Asn917Ser variant was not identified in the literature nor was it identified in ClinVar. The variant was identified in dbSNP (ID: rs779147589) and in control databases in 2 of 238534 chromosomes (1 homozygous) at a frequency of 0.000008385 (Genome Aggregation Database March 6, 2019, v2.1.1). The variant was observed in the European (non-Finnish) population in 2 of 108648 chromosomes (freq: 0.000018), but was not observed in the African, Latino, Ashkenazi Jewish, East Asian, European (Finnish), Other, or South Asian populations. The p.Asn917 residue is conserved in mammals and computational analyses (PolyPhen-2, SIFT, AlignGVGD, BLOSUM, MutationTaster) provide inconsistent predictions regarding the impact to the protein; this information is not very predictive of pathogenicity. The variant occurs outside of the splicing consensus sequence and in silico or computational prediction software programs (SpliceSiteFinder, MaxEntScan, NNSPLICE, GeneSplicer) do not predict a difference in splicing. In summary, based on the above information the clinical significance of this variant cannot be determined with certainty at this time. This variant is classified as a variant of uncertain significance.

NM_001270974.2(HYDIN):c.2750A>G (p.Asn917Ser)

Gene: HYDIN (HYDIN axonemal central pair apparatus protein; minus strand). Cytogenetic location: 16q22.2.
Variant type: single nucleotide variant.
Coding change: c.2750A>G on transcript NM_001270974.2 (MANE Select); coding-DNA position 2750, A replaced by G.
Protein change: p.Asn917Ser; replaces asparagine 917 with serine.
Molecular consequence: missense variant.
Genome position (GRCh38, 1-based): chr16:71,031,697, T>C on the plus strand (A>G on the coding strand, the complement: HYDIN is on the minus strand). VCF-style: chr16-71031697-T-C. GRCh37 (hg19) VCF-style: chr16-71065600-T-C.
Other names: c.2831A>G, p.Asn944Ser (NM_001198542.1); c.2801A>G, p.Asn934Ser (NM_001198543.1); c.2750A>G, p.Asn917Ser (NM_017558.5); short protein forms N917S, N934S, N944S.
Identifiers: ClinVar variation 1049867 (VCV001049867.1), dbSNP rs779147589, ClinGen allele CA8151020.
Genomic context (GRCh38, chr16:71,031,697, plus strand): 5'-ATATGTGATATCTATAAAAACTGGTCCATGAGATTTCCTTACCTAAAATGTGCCCCCAAA[T>C]TGAGTTCTGGAGCAAAGGGCTTATCTGAAACAATAGTGGAACCAGTTCCGGAAGCCTGAA-3'
Protein context (NP_001257903.1, residues 907-927): VSDKPFAPEL[Asn917Ser]LGAHFSLDTH